The following is an entry in ClinVar:

ClinVar aggregate classification (germline): Pathogenic/Likely pathogenic. Review status: criteria provided, multiple submitters, no conflicts (2 of 4 stars). 3 submissions from 3 submitters: Pathogenic (1); Likely pathogenic (2). Last evaluated 2025-08-03.

Conditions:
Cardiovascular phenotype. Identifiers: MedGen CN230736.
Dilated cardiomyopathy 1G (CMD1G). Identifiers: Orphanet 154, MedGen C1858763, MONDO:0011400, OMIM 604145.
Autosomal recessive limb-girdle muscular dystrophy type 2J (LGMDR10). Also called: MUSCULAR DYSTROPHY, LIMB-GIRDLE, AUTOSOMAL RECESSIVE 10; Limb-girdle muscular dystrophy, type 2J. Identifiers: Orphanet 140922, MedGen C1837342, MONDO:0012127, OMIM 608807.

Allele frequency attached by ClinVar (database versions not stated): TOPMed below 0.00001.

Submissions (3):

Labcorp Genetics (formerly Invitae), Labcorp
Classification: Likely pathogenic for Dilated cardiomyopathy 1G; Autosomal recessive limb-girdle muscular dystrophy type 2J. Last evaluated: 2025-08-03. Review status: criteria provided, single submitter. Criteria: Invitae Variant Classification Sherloc (09022015). Collection method: clinical testing. Allele origin: germline.
Comment: This sequence change creates a premature translational stop signal (p.Glu19785*) in the TTN gene. While this is not anticipated to result in nonsense mediated decay, it is expected to create a truncated TTN protein. This variant is not present in population databases (gnomAD no frequency). This variant has not been reported in the literature in individuals affected with TTN-related conditions. ClinVar contains an entry for this variant (Variation ID: 202393). This variant is located in the A band of TTN (PMID: 25589632). Truncating variants in this region are significantly overrepresented in patients affected with dilated cardiomyopathy (PMID: 25589632). Truncating variants in this region have also been reported in individuals affected with autosomal recessive centronuclear myopathy (PMID: 23975875). In summary, the currently available evidence indicates that the variant is pathogenic, but additional data are needed to prove that conclusively. Therefore, this variant has been classified as Likely Pathogenic.

GeneDx
Classification: Pathogenic. Last evaluated: 2025-05-21. Review status: criteria provided, single submitter. Criteria: GeneDx Variant Classification Process June 2021. Collection method: clinical testing. Allele origin: germline. Affected: yes.
Comment: Nonsense variant predicted to result in protein truncation or nonsense mediated decay in a gene for which loss of function is a known mechanism of disease; Not observed at significant frequency in large population cohorts (gnomAD); Has not been previously published as pathogenic or benign to our knowledge; Located in the A-band, a region of TTN for which truncating variants are significantly associated with autosomal dominant cardiomyopathy and also with autosomal recessive skeletal myopathies (PMID: 22335739, 32778822); This variant is associated with the following publications: (PMID: 22335739, 32778822)

Ambry Genetics
Classification: Likely pathogenic for Cardiovascular phenotype. Last evaluated: 2019-11-01. Review status: criteria provided, single submitter. Criteria: Ambry Variant Classification Scheme 2023. Collection method: clinical testing. Allele origin: germline.
Comment: The p.E10720* variant (also known as c.32158G>T), located in coding exon 128 of the TTN gene, results from a G to T substitution at nucleotide position 32158. This changes the amino acid from a glutamic acid to a stop codon within coding exon 128. This exon is located in the A-band region of the N2-B isoform of the titin protein and is constitutively expressed in TTN transcripts (percent spliced in or PSI 100%). This alteration is expected to result in loss of function by premature protein truncation or nonsense-mediated mRNA decay. While truncating variants in TTN are present in 1-3% of the general population, truncating variants in the A-band are the most common cause of dilated cardiomyopathy (DCM) (Herman DS et al. N. Engl. J. Med., 2012 Feb;366:619-28; Roberts AM et al. Sci Transl Med, 2015 Jan;7:270ra6). TTN truncating variants encoded in constitutive exons (PSI >90%) have been found to be significantly associated with DCM regardless of their position in titin (Schafer S et al. Nat. Genet., 2017 01;49:46-53). As such, this alteration is classified as likely pathogenic.

Literature cited by the submitters: PubMed 25589632 (cited by Labcorp Genetics (formerly Invitae), Labcorp); PubMed 23975875 (cited by Labcorp Genetics (formerly Invitae), Labcorp).

NM_001267550.2(TTN):c.59353G>T (p.Glu19785Ter)

Genes: TTN (titin; minus strand), TTN-AS1 (TTN antisense RNA 1; plus strand), LOC126806424 (CDK7 strongly-dependent group 2 enhancer GRCh37_chr2:179456337-179457536; plus strand). Cytogenetic location: 2q31.2.
Variant type: single nucleotide variant.
Coding change: c.59353G>T on transcript NM_001267550.2 (MANE Select); coding-DNA position 59353, G replaced by T.
Protein change: p.Glu19785Ter; replaces glutamic acid 19785 with a stop codon.
Molecular consequence: nonsense.
Genome position (GRCh38, 1-based): chr2:178,592,652, C>A on the plus strand (G>T on the coding strand, the complement: TTN is on the minus strand). VCF-style: chr2-178592652-C-A. GRCh37 (hg19) VCF-style: chr2-179457379-C-A.
Other names: p.E18144*:GAG>TAG; c.54430G>T, p.Glu18144Ter (NM_001256850.1); c.32158G>T, p.Glu10720Ter (NM_003319.4); c.51649G>T, p.Glu17217Ter (NM_133378.4); c.32533G>T, p.Glu10845Ter (NM_133432.3); c.32734G>T, p.Glu10912Ter (NM_133437.4); short protein forms E18144*, E19785*, E17217*, E10845*, E10720*, E10912*.
Identifiers: ClinVar variation 202393 (VCV000202393.8), dbSNP rs794729276, ClinGen allele CA309280.